The following is an entry in ClinVar:

NM_015272.5(RPGRIP1L):c.3682C>T (p.Gln1228Ter)

Gene: RPGRIP1L (RPGRIP1 like; minus strand). Cytogenetic location: 16q12.2.
Variant type: single nucleotide variant.
Coding change: c.3682C>T on transcript NM_015272.5 (MANE Select); coding-DNA position 3682, C replaced by T.
Protein change: p.Gln1228Ter; replaces glutamine 1228 with a stop codon.
Molecular consequence: nonsense.
Genome position (GRCh38, 1-based): chr16:53,610,986, G>A on the plus strand (C>T on the coding strand, the complement: RPGRIP1L is on the minus strand). VCF-style: chr16-53610986-G-A. GRCh37 (hg19) VCF-style: chr16-53644898-G-A.
Other names: c.3682C>T (NM_015272.4); c.3442C>T, p.Gln1148Ter (NM_001127897.4); c.3544C>T, p.Gln1182Ter (NM_001308334.3); c.3580C>T, p.Gln1194Ter (NM_001330538.2); short protein forms Q1148*, Q1182*, Q1228*, Q1194*.
Identifiers: ClinVar variation 1896983 (VCV001896983.8), dbSNP rs1964000214, ClinGen allele CA395922257.
Genomic context (GRCh38, chr16:53,610,986, plus strand): 5'-TTTATGTAAACCATTAGATTATTTGGACTGCCAAAACATACCTTCTATTAGGCATCTCTT[G>A]TTTTTGTAGTATAGCTTTTAAGATGTCTCTCTTTGCTTTGTTGTTTTCTTTATCCACGTA-3'

ClinVar aggregate classification (germline): Pathogenic/Likely pathogenic. Review status: criteria provided, multiple submitters, no conflicts (2 of 4 stars). 4 submissions from 4 submitters: Pathogenic (1); Likely pathogenic (3). Last evaluated 2025-10-22.

Conditions:
Joubert syndrome. Also called: JOUBERT-BOLTSHAUSER SYNDROME; Familial aplasia of the vermis. Identifiers: Orphanet 475, MedGen C5979921, MONDO:0018772.
Meckel-Gruber syndrome. Also called: DYSENCEPHALIA SPLANCHNOCYSTICA; GRUBER SYNDROME; Dysencephalia splachnocystica. Identifiers: Orphanet 564, MedGen C0265215, MONDO:0018921.
COACH syndrome 3. Identifiers: MedGen C5436841, MONDO:0030862, OMIM 619113.
Meckel syndrome, type 5 (MKS5). Identifiers: Orphanet 564, MedGen C1969052, MONDO:0012695, OMIM 611561.
Joubert syndrome 7 (JBTS7). Identifiers: Orphanet 220497, MedGen C1969053, MONDO:0012694, OMIM 611560.
RPGRIP1L-related disorder. Also called: RPGRIP1L-related condition; RPGRIP1L-related disorders. Identifiers: MedGen CN239416.

Allele frequency attached by ClinVar (database versions not stated): gnomAD exomes below 0.00001; TOPMed 0.00001.
gnomAD v4.1: 4 of 1,611,180 alleles (0.00025%); highest among the groups gnomAD compares: African/African-American, 0.004%; no homozygotes.

Submissions (4):

Labcorp Genetics (formerly Invitae), Labcorp
Classification: Pathogenic for Joubert syndrome; Meckel-Gruber syndrome. Last evaluated: 2025-10-22. Review status: criteria provided, single submitter. Criteria: Invitae Variant Classification Sherloc (09022015). Collection method: clinical testing. Allele origin: germline.
Comment: This sequence change creates a premature translational stop signal (p.Gln1228*) in the RPGRIP1L gene. It is expected to result in an absent or disrupted protein product. Loss-of-function variants in RPGRIP1L are known to be pathogenic (PMID: 17558409). This variant is not present in population databases (gnomAD no frequency). This variant has not been reported in the literature in individuals affected with RPGRIP1L-related conditions. ClinVar contains an entry for this variant (Variation ID: 1896983). For these reasons, this variant has been classified as Pathogenic.

PreventionGenetics, part of Exact Sciences
Classification: Likely pathogenic for RPGRIP1L-related condition. Last evaluated: 2025-03-26. Review status: criteria provided, single submitter. Criteria: ACMG Guidelines, 2015. Collection method: clinical testing. Allele origin: germline.
Comment: The RPGRIP1L c.3682C>T variant is predicted to result in premature protein termination (p.Gln1228*). To our knowledge, this variant has not been reported in the literature or in a large population database (gnomAD), indicating this variant is rare. Of note, protein truncating variants in this gene have been documented to be causative for Joubert syndrome and Meckel syndrome (HGMD - Human Gene Mutation Database). Nonsense variants in RPGRIP1L are expected to be pathogenic. This variant is interpreted as likely pathogenic.

Natera, Inc.
Classification: Likely pathogenic for Joubert syndrome. Last evaluated: 2024-08-07. Review status: criteria provided, single submitter. Criteria: Natera Variant Classification Schema (03/2026). Collection method: clinical testing. Allele origin: germline.
Comment: The c.3682C>T variant in RPGRIP1L is a nonsense variant predicted to introduce a stop codon at amino acid 1228. This variant is expected to result in nonsense mediated decay, truncation, or a dysfunctional protein product. This variant is rare in the general population with a frequency below the threshold expected for the associated phenotype(s). Given the available evidence, this variant is classified as Likely Pathogenic.

Fulgent Genetics
Classification: Likely pathogenic for Joubert syndrome 7; Meckel syndrome, type 5; COACH syndrome 3. Last evaluated: 2024-05-30. Review status: criteria provided, single submitter. Criteria: ACMG Guidelines, 2015. Collection method: clinical testing. Allele origin: germline.

Literature cited by the submitters: PubMed 17558409 (cited by Labcorp Genetics (formerly Invitae), Labcorp).